The following is an entry in ClinVar:

NM_000213.5(ITGB4):c.1642G>A (p.Gly548Arg)

Gene: ITGB4 (integrin subunit beta 4; plus strand). Cytogenetic location: 17q25.1.
Variant type: single nucleotide variant.
Coding change: c.1642G>A on transcript NM_000213.5 (MANE Select); coding-DNA position 1642, G replaced by A.
Protein change: p.Gly548Arg; replaces glycine 548 with arginine.
Molecular consequence: missense variant.
Genome position (GRCh38, 1-based): chr17:75,733,677, G>A. VCF-style: chr17-75733677-G-A. GRCh37 (hg19) VCF-style: chr17-73729758-G-A.
Other names: c.1642G>A, p.Gly548Arg (NM_001005619.2, NM_001005731.3, NM_001321123.2); short protein forms G548R.
Identifiers: ClinVar variation 546807 (VCV000546807.49), dbSNP rs1385099868, ClinGen allele CA401051999.
Genomic context (GRCh38, chr17:75,733,677, plus strand): 5'-GAAGGCCGCTACGAGGGTCAGTTCTGCGAGTATGACAACTTCCAGTGTCCCCGCACTTCC[G>A]GGTTCCTCTGCAATGGTGAGCACAACAACTGCGGCCAATGCTGATGGCGGGGTAGGGAGT-3'
Protein context (NP_000204.3, residues 538-558): YDNFQCPRTS[Gly548Arg]FLCNDRGRCS

ClinVar aggregate classification (germline): Uncertain significance. Review status: criteria provided, multiple submitters, no conflicts (2 of 4 stars). 3 submissions from 3 submitters: Uncertain significance (3). Last evaluated 2023-01-10.

Conditions:
Inborn genetic diseases. Identifiers: MedGen C0950123, MeSH D030342.

Allele frequency attached by ClinVar (database versions not stated): TOPMed below 0.00001.
gnomAD v4.1: 8 of 1,614,040 alleles (0.0005%); highest among the groups gnomAD compares: Non-Finnish European, 0.00068%; no homozygotes.

Submissions (3):

Ambry Genetics
Classification: Uncertain significance for Inborn genetic diseases. Last evaluated: 2023-01-10. Review status: criteria provided, single submitter. Criteria: Ambry Variant Classification Scheme 2023. Collection method: clinical testing. Allele origin: germline.

Labcorp Genetics (formerly Invitae), Labcorp
Classification: Uncertain significance. Last evaluated: 2022-03-28. Review status: criteria provided, single submitter. Criteria: Invitae Variant Classification Sherloc (09022015). Collection method: clinical testing. Allele origin: germline.
Comment: ClinVar contains an entry for this variant (Variation ID: 546807). This missense change has been observed in individual(s) with clinical features of epidermolysis bullosa (Invitae). This variant is not present in population databases (gnomAD no frequency). This sequence change replaces glycine, which is neutral and non-polar, with arginine, which is basic and polar, at codon 548 of the ITGB4 protein (p.Gly548Arg). Algorithms developed to predict the effect of missense changes on protein structure and function are either unavailable or do not agree on the potential impact of this missense change (SIFT: "Not Available"; PolyPhen-2: "Probably Damaging"; Align-GVGD: "Not Available"). In summary, the available evidence is currently insufficient to determine the role of this variant in disease. Therefore, it has been classified as a Variant of Uncertain Significance.

CeGaT Center for Human Genetics Tuebingen
Classification: Uncertain significance. Last evaluated: 2018-01-01. Review status: criteria provided, single submitter. Criteria: CeGaT Center For Human Genetics Tuebingen Variant Classification Criteria Version 2. Collection method: clinical testing. Allele origin: germline. Affected: yes. Observed: 1 variant allele.